The following is an entry in ClinVar:

ClinVar aggregate classification (germline): Uncertain significance (1 of 4 stars; one submission).

Conditions:
Wilms tumor 6 (WT6). Also called: WILMS TUMOR 6, SUSCEPTIBILITY TO. Identifiers: Orphanet 654, MedGen C3891301, MONDO:0014779, OMIM 616806.

gnomAD v4.1: 1 of 1,613,798 alleles (0.000062%); highest among the groups gnomAD compares: Non-Finnish European, 0.000085%; no homozygotes.

Submission:

St. Jude Molecular Pathology, St. Jude Children's Research Hospital
Classification: Uncertain significance for Wilms tumor 6. Last evaluated: 2024-08-22. Review status: criteria provided, single submitter. Criteria: St. Jude Assertion Criteria 2020. Collection method: clinical testing. Allele origin: germline.
Comment: The REST c.2314G>A (p.Val772Ile) missense change is absent in gnomAD v2.1.1. The in silico tool REVEL predicts a benign effect on protein function, but to our knowledge this prediction has not been confirmed by functional studies. To our knowledge, this variant has not been reported in individuals with Wilms tumor. In summary, the evidence currently available is insufficient to determine the clinical significance of this variant. It has therefore been classified as of uncertain significance.

NM_005612.5(REST):c.2314G>A (p.Val772Ile)

Gene: REST (RE1 silencing transcription factor; plus strand). Cytogenetic location: 4q12.
Variant type: single nucleotide variant.
Coding change: c.2314G>A on transcript NM_005612.5 (MANE Select); coding-DNA position 2314, G replaced by A.
Protein change: p.Val772Ile; replaces valine 772 with isoleucine.
Molecular consequence: missense variant.
Genome position (GRCh38, 1-based): chr4:56,931,172, G>A. VCF-style: chr4-56931172-G-A. GRCh37 (hg19) VCF-style: chr4-57797338-G-A.
Other names: c.2314G>A, p.Val772Ile (NM_001193508.2, NM_001363453.3); short protein forms V772I.
Identifiers: ClinVar variation 3602694 (VCV003602694.1).
Genomic context (GRCh38, chr4:56,931,172, plus strand): 5'-CCCATGGAGGTGGTCCAGAAGGAACCTGTTAAGATAGAGCTGTCTCCTCCCATAGAGGTG[G>A]TCCAGAAGGAGCCTGTTCAGATGGAGTTGTCTCCTCCCATGGGGGTGGTTCAGAAGGAGC-3'
Protein context (NP_005603.3, residues 762-782): KIELSPPIEV[Val772Ile]QKEPVQMELS